The following is an entry in ClinVar:

ClinVar aggregate classification (germline): Benign. Review status: criteria provided, multiple submitters, no conflicts (2 of 4 stars). 13 submissions from 13 submitters: Benign (10). 3 of the submissions do not count toward it. Last evaluated 2026-02-04.

Conditions:
Charcot-Marie-Tooth disease. Also called: Charcot-Marie-Tooth Hereditary Neuropathy; Charcot-Marie-Tooth Neuropathy. Identifiers: Orphanet 166, MedGen C0007959, MONDO:0015626.
Charcot-Marie-Tooth disease type 4. Also called: Charcot-Marie-Tooth disease, type IV; Charcot-Marie-Tooth, Type 4. Identifiers: Orphanet 64749, MedGen C4082197, MONDO:0018995.
Charcot-Marie-Tooth disease type 4D. Also called: CHARCOT-MARIE-TOOTH DISEASE, DEMYELINATING, TYPE 4D; NEUROPATHY, HEREDITARY MOTOR AND SENSORY, LOM TYPE; CHARCOT-MARIE-TOOTH DISEASE, DEMYELINATING, AUTOSOMAL RECESSIVE, TYPE 4D; Charcot-Marie-Tooth Neuropathy Type 4D. Identifiers: Orphanet 99950, MedGen C1832334, MONDO:0011085, OMIM 601455.

Allele frequency attached by ClinVar (database versions not stated): gnomAD exomes 0.55581; 1000 Genomes Project 0.61342; TOPMed 0.65318; 1000 Genomes Project 30x 0.61883; gnomAD 0.64095 and 0.65276; ExAC 0.56349; ESP Exome Variant Server 0.66785.
gnomAD v4.1: 915,069 of 1,612,932 alleles (57%); highest among the groups gnomAD compares: African/African-American, 87%; 265,351 homozygotes.

Submissions (13):

Labcorp Genetics (formerly Invitae), Labcorp
Classification: Benign for Charcot-Marie-Tooth disease type 4. Last evaluated: 2026-02-04. Review status: criteria provided, single submitter. Criteria: Invitae Variant Classification Sherloc (09022015). Collection method: clinical testing. Allele origin: germline.

Mayo Clinic Laboratories, Mayo Clinic
Classification: Benign. Last evaluated: 2022-11-10. Review status: criteria provided, single submitter. Criteria: ACMG Guidelines, 2015. Collection method: clinical testing. Allele origin: germline. Observed: 1,725 variant alleles.

Genome-Nilou Lab
Classification: Benign for Charcot-Marie-Tooth disease type 4D. Last evaluated: 2021-07-10. Review status: criteria provided, single submitter. Criteria: ACMG Guidelines, 2015. Collection method: clinical testing. Allele origin: germline. Affected: no.

Illumina Laboratory Services, Illumina
Classification: Benign for Charcot-Marie-Tooth disease type 4D. Last evaluated: 2018-01-13. Review status: criteria provided, single submitter. Criteria: ICSL Variant Classification Criteria 13 December 2019. Collection method: clinical testing. Allele origin: germline.
Comment: This variant was observed in the ICSL laboratory as part of a predisposition screen in an ostensibly healthy population. It had not been previously curated by ICSL or reported in the Human Gene Mutation Database (HGMD: prior to June 1st, 2018), and was therefore a candidate for classification through an automated scoring system. Utilizing variant allele frequency, disease prevalence and penetrance estimates, and inheritance mode, an automated score was calculated to assess if this variant is too frequent to cause the disease. Based on the score and internal cut-off values, a variant classified as benign is not then subjected to further curation. The score for this variant resulted in a classification of benign for this disease.

Athena Diagnostics
Classification: Benign. Last evaluated: 2017-07-26. Review status: criteria provided, single submitter. Criteria: Athena Diagnostics Criteria. Collection method: clinical testing. Allele origin: germline.

Eurofins Ntd Llc (ga)
Classification: Benign. Last evaluated: 2017-01-20. Review status: criteria provided, single submitter. Criteria: EGL Classification Definitions 2015. Collection method: clinical testing. Allele origin: germline. Observed: 1 variant allele, 1 homozygote.

GeneDx
Classification: Benign. Last evaluated: 2015-03-03. Review status: criteria provided, single submitter. Criteria: GeneDx Variant Classification Process June 2021. Collection method: clinical testing. Allele origin: germline. Affected: yes.

Breakthrough Genomics
Classification: Benign. Review status: criteria provided, single submitter. Criteria: ACMG Guidelines, 2015. Collection method: not provided. Allele origin: germline. Inheritance: Autosomal recessive inheritance. Affected: yes.

Molecular Genetics Laboratory, London Health Sciences Centre
Classification: Benign for Charcot-Marie-Tooth disease. Review status: criteria provided, single submitter. Criteria: ACMG Guidelines, 2015. Collection method: clinical testing. Allele origin: germline. Affected: yes.

PreventionGenetics, part of Exact Sciences
Classification: Benign. Review status: criteria provided, single submitter. Criteria: ACMG Guidelines, 2015. Collection method: clinical testing. Allele origin: germline.

Natera, Inc.
Classification: Benign for Charcot-Marie-Tooth disease type 4. Last evaluated: 2020-09-16. Review status: no assertion criteria provided. Collection method: clinical testing. Allele origin: germline. Not counted in ClinVar's aggregate classification.

Clinical Genetics, Academic Medical Center
Classification: Benign. Review status: no assertion criteria provided. Collection method: clinical testing. Allele origin: germline. Affected: yes. Study: VKGL Data-share Consensus. Not counted in ClinVar's aggregate classification.

Diagnostic Laboratory, Department of Genetics, University Medical Center Groningen
Classification: Benign for Charcot-Marie-Tooth disease type 4D. Review status: no assertion criteria provided. Collection method: clinical testing. Allele origin: germline. Affected: yes. Study: VKGL Data-share Consensus. Not counted in ClinVar's aggregate classification.

NM_006096.4(NDRG1):c.64-6T>C

Gene: NDRG1 (N-myc downstream regulated 1; minus strand). Cytogenetic location: 8q24.22.
Variant type: single nucleotide variant.
Coding change: c.64-6T>C on transcript NM_006096.4 (MANE Select); 6 bases into the intron before coding-DNA position 64, T replaced by C.
Molecular consequence: intron variant.
Genome position (GRCh38, 1-based): chr8:133,280,273, A>G on the plus strand (T>C on the coding strand, the complement: NDRG1 is on the minus strand). VCF-style: chr8-133280273-A-G. GRCh37 (hg19) VCF-style: chr8-134292516-A-G.
Other names: p.?; c.-99-15621T>C (NM_001258432.2); c.-135-6T>C (NM_001374847.1); c.-74-6T>C (NM_001258433.2); c.64-6T>C (NM_001374844.1, NM_001135242.2, NM_001374845.1 and 1 more transcripts).
Identifiers: ClinVar variation 259916 (VCV000259916.29), dbSNP rs2272653, ClinGen allele CA4886922.